The following is an entry in ClinVar:

ClinVar aggregate classification (germline): Uncertain significance (1 of 4 stars; one submission).

Allele frequency attached by ClinVar (database versions not stated): gnomAD exomes below 0.00001 and 0.00001.
gnomAD v4.1: 4 of 1,614,174 alleles (0.00025%); highest among the groups gnomAD compares: Non-Finnish European, 0.00034%; no homozygotes.

Submission:

Labcorp Genetics (formerly Invitae), Labcorp
Classification: Uncertain significance. Last evaluated: 2025-07-10. Review status: criteria provided, single submitter. Criteria: Invitae Variant Classification Sherloc (09022015). Collection method: clinical testing. Allele origin: germline.
Comment: This sequence change replaces asparagine, which is neutral and polar, with aspartic acid, which is acidic and polar, at codon 2325 of the KMT2A protein (p.Asn2325Asp). This variant is present in population databases (no rsID available, gnomAD 0.0009%). This variant has not been reported in the literature in individuals affected with KMT2A-related conditions. ClinVar contains an entry for this variant (Variation ID: 1443002). Invitae Evidence Modeling of protein sequence and biophysical properties (such as structural, functional, and spatial information, amino acid conservation, physicochemical variation, residue mobility, and thermodynamic stability) indicates that this missense variant is not expected to disrupt KMT2A protein function with a negative predictive value of 95%. In summary, the available evidence is currently insufficient to determine the role of this variant in disease. Therefore, it has been classified as a Variant of Uncertain Significance.

NM_001197104.2(KMT2A):c.6973A>G (p.Asn2325Asp)

Gene: KMT2A (lysine methyltransferase 2A; plus strand). Cytogenetic location: 11q23.3.
Variant type: single nucleotide variant.
Coding change: c.6973A>G on transcript NM_001197104.2 (MANE Select); coding-DNA position 6973, A replaced by G.
Protein change: p.Asn2325Asp; replaces asparagine 2325 with aspartic acid.
Molecular consequence: missense variant.
Genome position (GRCh38, 1-based): chr11:118,502,865, A>G. VCF-style: chr11-118502865-A-G. GRCh37 (hg19) VCF-style: chr11-118373580-A-G.
Other names: c.6964A>G, p.Asn2322Asp (NM_005933.4); short protein forms N2325D, N2322D.
Identifiers: ClinVar variation 1443002 (VCV001443002.8), dbSNP rs954145676, ClinGen allele CA229526564.